The following is an entry in ClinVar:

NM_001042492.3(NF1):c.3198-314G>A

Gene: NF1 (neurofibromin 1; plus strand). Cytogenetic location: 17q11.2.
Variant type: single nucleotide variant.
Coding change: c.3198-314G>A on transcript NM_001042492.3 (MANE Select); 314 bases into the intron before coding-DNA position 3198, G replaced by A.
Molecular consequence: intron variant.
Genome position (GRCh38, 1-based): chr17:31,231,759, G>A. VCF-style: chr17-31231759-G-A. GRCh37 (hg19) VCF-style: chr17-29558777-G-A.
Other names: c.3198-314G>A (NM_000267.4).
Identifiers: ClinVar variation 936187 (VCV000936187.13), dbSNP rs2067116490, ClinGen allele CA1139665331.

ClinVar aggregate classification (germline): Pathogenic/Likely pathogenic. Review status: criteria provided, multiple submitters, no conflicts (2 of 4 stars). 6 submissions from 6 submitters: Pathogenic (2); Likely pathogenic (4). Last evaluated 2025-09-29.

Conditions:
Neurofibromatosis, type 1 (NF1). Also called: Peripheral type neurofibromatosis; VON RECKLINGHAUSEN DISEASE; Neurofibromatosis, type I; NEUROFIBROMATOSIS, TYPE I, SOMATIC. Identifiers: Orphanet 636, MedGen C0027831, MONDO:0018975, OMIM 162200. Disease mechanism: loss of function.
Hereditary cancer-predisposing syndrome. Also called: Tumor predisposition; Hereditary neoplastic syndrome; Neoplastic Syndromes, Hereditary; Hereditary Cancer Syndrome. Identifiers: Orphanet 140162, MedGen C0027672, MeSH D009386, MONDO:0015356.
Cardiovascular phenotype. Identifiers: MedGen CN230736.

Submissions (6):

Labcorp Genetics (formerly Invitae), Labcorp
Classification: Pathogenic for Neurofibromatosis, type 1. Last evaluated: 2025-09-29. Review status: criteria provided, single submitter. Criteria: Invitae Variant Classification Sherloc (09022015). Collection method: clinical testing. Allele origin: germline.
Comment: This sequence change falls in intron 24 of the NF1 gene. It does not directly change the encoded amino acid sequence of the NF1 protein. RNA analysis indicates that this variant induces altered splicing and may result in an absent or altered protein product. This variant is not present in population databases (gnomAD no frequency). This variant has been observed in individuals with neurofibromatosis type 1 (PMID: 21394830; internal data). Invitae Evidence Modeling of clinical and family history, age, sex, and reported ancestry of multiple individuals with this NF1 variant has been performed. This variant is expected to be pathogenic with a positive predictive value of at least 99%. This is a validated machine learning model that incorporates the clinical features of 1,785,918 individuals referred to our laboratory for NF1 testing. ClinVar contains an entry for this variant (Variation ID: 936187). Studies have shown that this variant results in aberrant splicing, and produces a non-functional protein and/or introduces a premature termination codon (PMID: 21394830). For these reasons, this variant has been classified as Pathogenic.

Ambry Genetics
Classification: Pathogenic for Cardiovascular phenotype; Hereditary cancer-predisposing syndrome. Last evaluated: 2025-02-28. Review status: criteria provided, single submitter. Criteria: Ambry Variant Classification Scheme 2023. Collection method: clinical testing. Allele origin: germline.
Comment: The c.3198-314G>A intronic pathogenic mutation results from a G to A substitution 314 nucleotides upstream from coding exon 25 in the NF1 gene. This variant was reported in individual(s) with features consistent with neurofibromatosis type 1 (Fern&aacute;ndez-Rodr&iacute;guez J et al. Hum Mutat, 2011 Jul;32:705-9; Koczkowska M et al. Hum Genet, 2023 Jul;142:849-861). This nucleotide position is well conserved on limited sequence alignment. In silico splice site analysis predicts that this alteration will result in the creation or strengthening of a novel splice acceptor site. RNA studies have demonstrated that this alteration results in inclusion of cryptic exons (Fern&aacute;ndez-Rodr&iacute;guez J et al. Hum Mutat, 2011 Jul;32:705-9; Koczkowska M et al. Hum Genet, 2023 Jul;142:849-861; Ambry internal data). This variant is considered to be rare based on population cohorts in the Genome Aggregation Database (gnomAD). Based on the supporting evidence, this variant is interpreted as a disease-causing mutation.

Genetics Department, Catlab
Classification: Likely pathogenic for Neurofibromatosis, type 1. Last evaluated: 2024-08-28. Review status: criteria provided, single submitter. Criteria: ACMG Guidelines, 2015. Collection method: clinical testing. Allele origin: germline. Affected: yes. Observed: 1 variant allele.
Comment: The c.3198-314G>A variant in the NF1 gene is absent from the gnomAD 4.1 database (PM2) and functional studies haven shown that the variant creates a criptic acceptor splicing site that creates 2 aberrant transcipts and a truncated protein (PMID: 21394830) (PS3). Moreover, the variant has been shown to segregate in a family (PP1). With all the available evidence, the variant is classified as likely pathogenic.

GeneDx
Classification: Likely pathogenic. Last evaluated: 2022-05-16. Review status: criteria provided, single submitter. Criteria: GeneDx Variant Classification Process June 2021. Collection method: clinical testing. Allele origin: germline. Affected: yes.
Comment: In silico analysis supports a deleterious effect on splicing. In a minigene assay, this variant produced full-length transcript as well as two aberrant transcripts (Fernandez-Rodriguez 2011); No data available from control populations to assess the frequency of this variant; Also known as IVS19a-314G>A; This variant is associated with the following publications: (PMID: 21394830, 24506781, 32408052, 34273915)

Genome-Nilou Lab
Classification: Likely pathogenic for Neurofibromatosis, type 1. Last evaluated: 2022-03-15. Review status: criteria provided, single submitter. Criteria: ACMG Guidelines, 2015. Collection method: clinical testing. Allele origin: germline. Affected: no.

Department of Pathology and Laboratory Medicine, Sinai Health System
Classification: Likely pathogenic for neurofibromatosis type 1. Review status: criteria provided, single submitter. Criteria: ACMG Guidelines, 2015. Collection method: clinical testing. Allele origin: germline.

Literature cited by the submitters: PubMed 21394830 (cited by 3 submitters); PubMed 37186028 (cited by Ambry Genetics).